The following is an entry in ClinVar:

NM_000090.4(COL3A1):c.2786C>A (p.Pro929Gln)

Gene: COL3A1 (collagen type III alpha 1 chain; plus strand). Cytogenetic location: 2q32.2.
Variant type: single nucleotide variant.
Coding change: c.2786C>A on transcript NM_000090.4 (MANE Select); coding-DNA position 2786, C replaced by A.
Protein change: p.Pro929Gln; replaces proline 929 with glutamine.
Molecular consequence: missense variant.
Genome position (GRCh38, 1-based): chr2:189,004,106, C>A. VCF-style: chr2-189004106-C-A. GRCh37 (hg19) VCF-style: chr2-189868832-C-A.
Other names: short protein forms P929Q.
Identifiers: ClinVar variation 3071691 (VCV003071691.1), dbSNP rs2469153664, ClinGen allele CA349844172.
Genomic context (GRCh38, chr2:189,004,106, plus strand): 5'-GTAACACTGGTGCTCCTGGCAGCCCTGGAGTGTCTGGACCAAAAGGTGATGCTGGCCAAC[C>A]AGGAGAGAAGGGATCGCCTGGTGCCCAGGGCCCACCAGTAAGTAACTTCATTTTTTTAAA-3'
Protein context (NP_000081.2, residues 919-939): VSGPKGDAGQ[Pro929Gln]GEKGSPGAQG

ClinVar aggregate classification (germline): Uncertain significance (1 of 4 stars; one submission).

Conditions:
Ehlers-Danlos syndrome, type 4 (EDSVASC). Also called: Ehlers-Danlos Syndrome Type IV; Ehlers-Danlos syndrome vascular type; Ehlers Danlos syndrome, ecchymotic type; Ehlers Danlos syndrome, arterial type; Ehlers Danlos syndrome, Sack-Barabas type. Identifiers: Orphanet 286, MedGen C0268338, MONDO:0017314, OMIM 130050.

Submission:

All of Us Research Program, National Institutes of Health
Classification: Uncertain significance for Ehlers-Danlos syndrome, type 4. Last evaluated: 2023-06-28. Review status: criteria provided, single submitter. Criteria: ACMG Guidelines, 2015. Collection method: clinical testing. Allele origin: germline. Inheritance: Autosomal dominant inheritance. Observed: 1 variant allele, 1 heterozygote.
Comment: This study involves interpretation of variants in research participants for the purpose of population health screening. Participant phenotype was not available at the time of variant classification. Additional details can be found in publication PMID: 35346344, PMCID: PMC8962531